The following is an entry in ClinVar:

NM_000540.3(RYR1):c.6631A>C (p.Met2211Leu)

Gene: RYR1 (ryanodine receptor 1; plus strand). Cytogenetic location: 19q13.2.
Variant type: single nucleotide variant.
Coding change: c.6631A>C on transcript NM_000540.3 (MANE Select); coding-DNA position 6631, A replaced by C.
Protein change: p.Met2211Leu; replaces methionine 2211 with leucine.
Molecular consequence: missense variant.
Genome position (GRCh38, 1-based): chr19:38,496,297, A>C. VCF-style: chr19-38496297-A-C. GRCh37 (hg19) VCF-style: chr19-38986937-A-C.
Other names: c.6631A>C, p.Met2211Leu (NM_001042723.2); short protein forms M2211L.
Identifiers: ClinVar variation 430273 (VCV000430273.2), dbSNP rs1131691876, ClinGen allele CA405665993.

ClinVar aggregate classification (germline): Likely pathogenic (1 of 4 stars; one submission).

Submission:

GeneDx
Classification: Likely pathogenic. Last evaluated: 2018-01-30. Review status: criteria provided, single submitter. Criteria: GeneDx Variant Classification (06012015). Collection method: clinical testing. Allele origin: germline. Affected: yes.
Comment: The M2211L variant in the RYR1gene has not been reported previously as a pathogenic variant, nor as a benign variant, to our knowledge. The M2211L variant was not observed in approximately 6500 individuals of European and African American ancestry in the NHLBI Exome Sequencing Project, indicating it is not a common benign variant in these populations. The M2211L variant is a conservative amino acid substitution, which is not likely to impact secondary protein structure as these residues share similar properties. This substitution occurs at a position that is conserved across species. In silico analysis predicts this variant is probably damaging to the protein structure/function. Missense variants in nearby residues (H2204Q, T2206R, T2206M, V2210F, V2212D) have been reported in the Human Gene Mutation Database in association with RYR1-related disorders (Stenson et al., 2014), supporting the functional importance of this region of the protein. The M2211L variant is a strong candidate for a pathogenic variant however the possibility it may be a rare benign variant cannot be excluded